The following is an entry in ClinVar:

NM_000069.3(CACNA1S):c.4109T>A (p.Phe1370Tyr)

Gene: CACNA1S (calcium voltage-gated channel subunit alpha1 S; minus strand). Cytogenetic location: 1q32.1.
Variant type: single nucleotide variant.
Coding change: c.4109T>A on transcript NM_000069.3 (MANE Select); coding-DNA position 4109, T replaced by A.
Protein change: p.Phe1370Tyr; replaces phenylalanine 1370 with tyrosine.
Molecular consequence: missense variant.
Genome position (GRCh38, 1-based): chr1:201,050,988, A>T on the plus strand (T>A on the coding strand, the complement: CACNA1S is on the minus strand). VCF-style: chr1-201050988-A-T. GRCh37 (hg19) VCF-style: chr1-201020116-A-T.
Other names: short protein forms F1370Y.
Identifiers: ClinVar variation 2949761 (VCV002949761.3), dbSNP rs2102558334, ClinGen allele CA344149489.

ClinVar aggregate classification (germline): Uncertain significance (1 of 4 stars; one submission).

Conditions:
Hypokalemic periodic paralysis, type 1. Also called: HypoPP; Hypokalemic Periodic Paralysis Type 1 (AD). Identifiers: Orphanet 681, MedGen C3714580, MONDO:0042979, OMIM 170400.
Malignant hyperthermia, susceptibility to, 5 (MHS5). Also called: CACNA1S-Related Malignant Hyperthermia Susceptibility. Identifiers: Orphanet 423, MedGen C1866077, MONDO:0011163, OMIM 601887.

Allele frequency attached by ClinVar (database versions not stated): gnomAD 0.00001.
gnomAD v4.1: 1 of 1,614,170 alleles (0.000062%); highest among the groups gnomAD compares: East Asian, 0.0022%; no homozygotes.

Submission:

Labcorp Genetics (formerly Invitae), Labcorp
Classification: Uncertain significance for Hypokalemic periodic paralysis, type 1; Malignant hyperthermia, susceptibility to, 5. Last evaluated: 2025-11-24. Review status: criteria provided, single submitter. Criteria: Invitae Variant Classification Sherloc (09022015). Collection method: clinical testing. Allele origin: germline.
Comment: This sequence change replaces phenylalanine, which is neutral and non-polar, with tyrosine, which is neutral and polar, at codon 1370 of the CACNA1S protein (p.Phe1370Tyr). This variant is not present in population databases (gnomAD no frequency). This variant has not been reported in the literature in individuals affected with CACNA1S-related conditions. ClinVar contains an entry for this variant (Variation ID: 2949761). Invitae Evidence Modeling of protein sequence and biophysical properties (such as structural, functional, and spatial information, amino acid conservation, physicochemical variation, residue mobility, and thermodynamic stability) indicates that this missense variant is not expected to disrupt CACNA1S protein function with a negative predictive value of 95%. In summary, the available evidence is currently insufficient to determine the role of this variant in disease. Therefore, it has been classified as a Variant of Uncertain Significance.